The following is an entry in ClinVar:

ClinVar aggregate classification (germline): Uncertain significance (1 of 4 stars; one submission).

Conditions:
Methylcobalamin deficiency type cblE (HMAE). Also called: HOMOCYSTINURIA-MEGALOBLASTIC ANEMIA, cblE COMPLEMENTATION TYPE; HOMOCYSTINURIA-MEGALOBLASTIC ANEMIA, cblE TYPE; VITAMIN B12-RESPONSIVE HOMOCYSTINURIA, cblE TYPE. Identifiers: Orphanet 2169, Orphanet 622, MedGen C1856057, MONDO:0009354, OMIM 236270.

Allele frequency attached by ClinVar (database versions not stated): ExAC 0.00001; gnomAD exomes 0.00001 and 0.00002.
gnomAD v4.1: 8 of 1,614,248 alleles (0.0005%); highest among the groups gnomAD compares: Non-Finnish European, 0.00068%; no homozygotes.

Submission:

Labcorp Genetics (formerly Invitae), Labcorp
Classification: Uncertain significance for Methylcobalamin deficiency type cblE. Last evaluated: 2021-08-30. Review status: criteria provided, single submitter. Criteria: Invitae Variant Classification Sherloc (09022015). Collection method: clinical testing. Allele origin: germline.
Comment: This sequence change replaces valine with alanine at codon 473 of the MTRR protein (p.Val473Ala). The valine residue is highly conserved and there is a small physicochemical difference between valine and alanine. This variant is present in population databases (rs777447397, ExAC 0.001%). This variant has not been reported in the literature in individuals affected with MTRR-related conditions. Algorithms developed to predict the effect of missense changes on protein structure and function are either unavailable or do not agree on the potential impact of this missense change (SIFT: "Deleterious"; PolyPhen-2: "Possibly Damaging"; Align-GVGD: "Class C0"). In summary, the available evidence is currently insufficient to determine the role of this variant in disease. Therefore, it has been classified as a Variant of Uncertain Significance.

NM_002454.3(MTRR):c.1418T>C (p.Val473Ala)

Gene: MTRR (5-methyltetrahydrofolate-homocysteine methyltransferase reductase; plus strand). Cytogenetic location: 5p15.31.
Variant type: single nucleotide variant.
Coding change: c.1418T>C on transcript NM_002454.3 (MANE Select); coding-DNA position 1418, T replaced by C.
Protein change: p.Val473Ala; replaces valine 473 with alanine.
Molecular consequence: missense variant. On other transcripts: non-coding transcript variant (14).
Genome position (GRCh38, 1-based): chr5:7,892,774, T>C. VCF-style: chr5-7892774-T-C. GRCh37 (hg19) VCF-style: chr5-7892887-T-C.
Other names: c.1418T>C, p.Val473Ala (NM_001364440.2, NM_001364441.2, NM_001364442.2 and 1 more transcripts); short protein forms V473A.
Identifiers: ClinVar variation 1412289 (VCV001412289.5), dbSNP rs777447397, ClinGen allele CA3195950.